The following is an entry in ClinVar:

ClinVar aggregate classification (germline): Uncertain significance (1 of 4 stars; one submission).

Conditions:
Mucopolysaccharidosis, MPS-III-D (MPS3D). Also called: Mucopoly-saccharidosis type 3D; N-acetylglucosamine-6-sulfate sulfatase deficiency; MPS 3D; MPS IIID (Sanfilippo Syndrome Type D); MUCOPOLYSACCHARIDOSIS, TYPE IIID; N-ACETYLGLUCOSAMINE-6-SULFATASE DEFICIENCY. Identifiers: Orphanet 581, Orphanet 79272, MedGen C0086650, MONDO:0009658, OMIM 252940.

Submission:

Labcorp Genetics (formerly Invitae), Labcorp
Classification: Uncertain significance for Mucopolysaccharidosis, MPS-III-D. Last evaluated: 2023-11-27. Review status: criteria provided, single submitter. Criteria: Invitae Variant Classification Sherloc (09022015). Collection method: clinical testing. Allele origin: germline.
Comment: This sequence change falls in intron 8 of the GNS gene. It does not directly change the encoded amino acid sequence of the GNS protein. This variant is not present in population databases (gnomAD no frequency). This variant has not been reported in the literature in individuals affected with GNS-related conditions. ClinVar contains an entry for this variant (Variation ID: 1354595). Algorithms developed to predict the effect of sequence changes on RNA splicing suggest that this variant may disrupt the consensus splice site. In summary, the available evidence is currently insufficient to determine the role of this variant in disease. Therefore, it has been classified as a Variant of Uncertain Significance.

NM_002076.4(GNS):c.995-9T>A

Gene: GNS (glucosamine (N-acetyl)-6-sulfatase; minus strand). Cytogenetic location: 12q14.3.
Variant type: single nucleotide variant.
Coding change: c.995-9T>A on transcript NM_002076.4 (MANE Select); 9 bases into the intron before coding-DNA position 995, T replaced by A.
Molecular consequence: intron variant.
Genome position (GRCh38, 1-based): chr12:64,737,116, A>T on the plus strand (T>A on the coding strand, the complement: GNS is on the minus strand). VCF-style: chr12-64737116-A-T. GRCh37 (hg19) VCF-style: chr12-65130896-A-T.
Identifiers: ClinVar variation 1354595 (VCV001354595.6), dbSNP rs2136244474, ClinGen allele CA2573148946.
Genomic context (GRCh38, chr12:64,737,116, plus strand): 5'-TTGATATCAAACTCATACAGCTGTCTCTTGTCTATTGGCAAGGAAAACTGTCCTGAAAAC[A>T]AAACACACAATGTAAAGATGGAGCCAAGACAGGAGCCTTGCTCATGTTATGTTTCACTCA-3'